The following is an entry in ClinVar:

ClinVar aggregate classification (germline): Uncertain significance. Review status: criteria provided, multiple submitters, no conflicts (2 of 4 stars). 4 submissions from 4 submitters: Uncertain significance (4). Last evaluated 2025-08-20.

Conditions:
Jawad syndrome (JWDS). Also called: KELLY SYNDROME; MICROCEPHALY WITH IMPAIRED INTELLECTUAL DEVELOPMENT AND DIGITAL ANOMALIES. Identifiers: Orphanet 313795, MedGen C0796063, MONDO:0009622, OMIM 251255.
Seckel syndrome 2 (SCKL2). Also called: SECKEL-TYPE DWARFISM 2; MICROCEPHALIC PRIMORDIAL DWARFISM 2. Identifiers: Orphanet 808, MedGen C1847572, MONDO:0011715, OMIM 606744.
Inborn genetic diseases. Identifiers: MedGen C0950123, MeSH D030342.

Allele frequency attached by ClinVar (database versions not stated): gnomAD 0.00004; TOPMed 0.00004; ESP Exome Variant Server 0.00008; ExAC 0.00009; gnomAD exomes 0.00009.
gnomAD v4.1: 109 of 1,613,536 alleles (0.0068%); highest among the groups gnomAD compares: Middle Eastern, 0.016%; no homozygotes.

Submissions (4):

Ambry Genetics
Classification: Uncertain significance for Inborn genetic diseases. Last evaluated: 2025-08-20. Review status: criteria provided, single submitter. Criteria: Ambry Variant Classification Scheme 2023. Collection method: clinical testing. Allele origin: germline.

GeneDx
Classification: Uncertain significance. Last evaluated: 2025-06-06. Review status: criteria provided, single submitter. Criteria: GeneDx Variant Classification Process June 2021. Collection method: clinical testing. Allele origin: germline. Affected: yes.
Comment: In silico analysis suggests that this missense variant does not alter protein structure/function; Has not been previously published as pathogenic or benign to our knowledge

Labcorp Genetics (formerly Invitae), Labcorp
Classification: Uncertain significance. Last evaluated: 2023-12-11. Review status: criteria provided, single submitter. Criteria: Invitae Variant Classification Sherloc (09022015). Collection method: clinical testing. Allele origin: germline.
Comment: This sequence change replaces histidine, which is basic and polar, with arginine, which is basic and polar, at codon 98 of the RBBP8 protein (p.His98Arg). This variant is present in population databases (rs146649234, gnomAD 0.02%). This variant has not been reported in the literature in individuals affected with RBBP8-related conditions. ClinVar contains an entry for this variant (Variation ID: 1368312). Advanced modeling of protein sequence and biophysical properties (such as structural, functional, and spatial information, amino acid conservation, physicochemical variation, residue mobility, and thermodynamic stability) performed at Invitae indicates that this missense variant is expected to disrupt RBBP8 protein function with a positive predictive value of 80%. In summary, the available evidence is currently insufficient to determine the role of this variant in disease. Therefore, it has been classified as a Variant of Uncertain Significance.

Fulgent Genetics
Classification: Uncertain significance for Jawad syndrome; Seckel syndrome 2. Last evaluated: 2022-05-20. Review status: criteria provided, single submitter. Criteria: ACMG Guidelines, 2015. Collection method: clinical testing. Allele origin: unknown.

NM_002894.3(RBBP8):c.293A>G (p.His98Arg)

Gene: RBBP8 (RB binding protein 8, endonuclease; plus strand). Cytogenetic location: 18q11.2.
Variant type: single nucleotide variant.
Coding change: c.293A>G on transcript NM_002894.3 (MANE Select); coding-DNA position 293, A replaced by G.
Protein change: p.His98Arg; replaces histidine 98 with arginine.
Molecular consequence: missense variant.
Genome position (GRCh38, 1-based): chr18:22,968,850, A>G. VCF-style: chr18-22968850-A-G. GRCh37 (hg19) VCF-style: chr18-20548813-A-G.
Other names: c.293A>G, p.His98Arg (NM_203291.2, NM_203292.2); c.293A>G (NM_002894.2); short protein forms H98R.
Identifiers: ClinVar variation 1368312 (VCV001368312.12), dbSNP rs146649234, ClinGen allele CA8909770.